The following is an entry in ClinVar:

NM_001012720.2(RGR):c.190G>A (p.Gly64Arg)

Gene: RGR (retinal G protein coupled receptor; plus strand). Cytogenetic location: 10q23.1.
Variant type: single nucleotide variant.
Coding change: c.190G>A on transcript NM_001012720.2 (MANE Select); coding-DNA position 190, G replaced by A.
Protein change: p.Gly64Arg; replaces glycine 64 with arginine.
Molecular consequence: missense variant.
Genome position (GRCh38, 1-based): chr10:84,247,701, G>A. VCF-style: chr10-84247701-G-A. GRCh37 (hg19) VCF-style: chr10-86007457-G-A.
Other names: c.190G>A, p.Gly64Arg (NM_001012722.2, NM_002921.4); short protein forms G64R.
Identifiers: ClinVar variation 1001983 (VCV001001983.8), dbSNP rs144223728, ClinGen allele CA5581323.
Genomic context (GRCh38, chr10:84,247,701, plus strand): 5'-ACCCCGGAGCTGCGGACTCCCTGCCACCTACTGGTGCTGAGCTTGGCTCTTGCGGACAGT[G>A]GGATCAGCCTGAATGCCCTCGTTGCAGCCACATCCAGCCTTCTCCGGTACCAGCCCCCTC-3'
Protein context (NP_001012738.1, residues 54-74): LVLSLALADS[Gly64Arg]ISLNALVAAT

ClinVar aggregate classification (germline): Uncertain significance (1 of 4 stars; one submission).

Allele frequency attached by ClinVar (database versions not stated): ExAC 0.00001; gnomAD exomes 0.00001 and 0.00002; gnomAD 0.00005; TOPMed 0.00006; ESP Exome Variant Server 0.00008.

Submission:

Labcorp Genetics (formerly Invitae), Labcorp
Classification: Uncertain significance. Last evaluated: 2022-12-31. Review status: criteria provided, single submitter. Criteria: Invitae Variant Classification Sherloc (09022015). Collection method: clinical testing. Allele origin: germline.
Comment: This sequence change replaces glycine, which is neutral and non-polar, with arginine, which is basic and polar, at codon 64 of the RGR protein (p.Gly64Arg). In summary, the available evidence is currently insufficient to determine the role of this variant in disease. Therefore, it has been classified as a Variant of Uncertain Significance. Algorithms developed to predict the effect of sequence changes on RNA splicing suggest that this variant may disrupt the consensus splice site. Algorithms developed to predict the effect of missense changes on protein structure and function are either unavailable or do not agree on the potential impact of this missense change (SIFT: "Deleterious"; PolyPhen-2: "Not Available"; Align-GVGD: "Class C25"). ClinVar contains an entry for this variant (Variation ID: 1001983). This variant has not been reported in the literature in individuals affected with RGR-related conditions. This variant is present in population databases (rs144223728, gnomAD 0.02%).